The following is an entry in ClinVar:

ClinVar aggregate classification (germline): Uncertain significance. Review status: criteria provided, single submitter (1 of 4 stars). 2 submissions from 2 submitters: Uncertain significance (1). 1 of the submissions does not count toward it. Last evaluated 2025-07-29.

Conditions:
BDNF-related disorder. Also called: BDNF-related condition.

Allele frequency attached by ClinVar (database versions not stated): gnomAD 0.00001; gnomAD exomes 0.00001; TOPMed 0.00003.
gnomAD v4.1: 9 of 1,613,864 alleles (0.00056%); highest among the groups gnomAD compares: African/African-American, 0.008%; no homozygotes.

Submissions (2):

Labcorp Genetics (formerly Invitae), Labcorp
Classification: Uncertain significance. Last evaluated: 2025-07-29. Review status: criteria provided, single submitter. Criteria: Invitae Variant Classification Sherloc (09022015). Collection method: clinical testing. Allele origin: germline.
Comment: This sequence change affects codon 103 of the BDNF mRNA. It is a 'silent' change, meaning that it does not change the encoded amino acid sequence of the BDNF protein. This variant is not present in population databases (gnomAD no frequency). This variant has not been reported in the literature in individuals affected with BDNF-related conditions. ClinVar contains an entry for this variant (Variation ID: 3045600). In summary, the available evidence is currently insufficient to determine the role of this variant in disease. Therefore, it has been classified as a Variant of Uncertain Significance.

PreventionGenetics, part of Exact Sciences
Classification: Likely benign for BDNF-related condition. Last evaluated: 2020-08-14. Review status: no assertion criteria provided. Collection method: clinical testing. Allele origin: germline. Not counted in ClinVar's aggregate classification.
Comment: This variant is classified as likely benign based on ACMG/AMP sequence variant interpretation guidelines (Richards et al. 2015 PMID: 25741868, with internal and published modifications).

NM_001709.5(BDNF):c.309G>A (p.Glu103=)

Genes: BDNF (brain derived neurotrophic factor; minus strand), BDNF-AS (BDNF antisense RNA; plus strand). Cytogenetic location: 11p14.1.
Variant type: single nucleotide variant.
Coding change: c.309G>A on transcript NM_001709.5 (MANE Select); coding-DNA position 309, G replaced by A.
Protein change: p.Glu103=; no amino-acid change (glutamic acid 103 retained).
Molecular consequence: synonymous variant. On other transcripts: non-coding transcript variant (5).
Genome position (GRCh38, 1-based): chr11:27,658,256, C>T on the plus strand (G>A on the coding strand, the complement: BDNF is on the minus strand). VCF-style: chr11-27658256-C-T. GRCh37 (hg19) VCF-style: chr11-27679803-C-T.
Other names: c.309G>A, p.Glu103= (NM_001143805.1, NM_001143806.1, NM_001143807.2 and 9 more transcripts); c.396G>A, p.Glu132= (NM_001143809.2); c.555G>A, p.Glu185= (NM_001143810.2); c.333G>A, p.Glu111= (NM_170731.5); c.354G>A, p.Glu118= (NM_170734.4).
Identifiers: ClinVar variation 3045600 (VCV003045600.3), dbSNP rs935219250, ClinGen allele CA219852072.
Genomic context (GRCh38, chr11:27,658,256, plus strand): 5'-GGACATGTTTGCAGCATCTAGGTAATTTTTGTATTCCTCCAGCAGAAAGAGAAGAGGAGG[C>T]TCCAAAGGCACTTGACTACTGAGCATCACCCTGGACGTGTACAAGTCTGCGTCCTTATTG-3'
Protein context (NP_001700.2, residues 93-113): RVMLSSQVPL[Glu103=]PPLLFLLEEY